The following is an entry in ClinVar:

NC_000002.11:g.(?_15607433)_(15608677_?)dup

Gene: NBAS (NBAS subunit of NRZ tethering complex; minus strand). Cytogenetic location: 2p24.3.
Variant type: Duplication.
Identifiers: ClinVar variation 1411995 (VCV001411995.4).

ClinVar aggregate classification (germline): Uncertain significance (1 of 4 stars; one submission).

Submission:

Labcorp Genetics (formerly Invitae), Labcorp
Classification: Uncertain significance. Last evaluated: 2022-06-13. Review status: criteria provided, single submitter. Criteria: Invitae Variant Classification Sherloc (09022015). Collection method: clinical testing. Allele origin: germline.
Comment: This variant results in a copy number gain of the genomic region encompassing exon(s) 17-19 of the NBAS gene. While the exact position of this variant cannot be determined from the data, sub-genic copy number gains are generally in tandem (PMID: 25640679). This variant is predicted to be in-frame, and likely preserves the integrity of the reading frame. A similar copy number variant has been observed in individual(s) with acute infantile liver failure (PMID: 34023347). Experimental studies and prediction algorithms are not available or were not evaluated, and the functional significance of this variant is currently unknown. In summary, the available evidence is currently insufficient to determine the role of this variant in disease. Therefore, it has been classified as a Variant of Uncertain Significance.

Literature cited by the submitters: PubMed 25640679; PubMed 34023347.